The following continues an entry in ClinVar:

NM_000059.4(BRCA2):c.9924C>G (p.Tyr3308Ter)

Gene: BRCA2. ClinVar aggregate classification (germline): Pathogenic. Pathogenic (1).

Submissions 10 to 19 of 19:

Quest Diagnostics Nichols Institute San Juan Capistrano
Classification: Pathogenic. Last evaluated: 2022-01-11. Review status: criteria provided, single submitter. Criteria: Quest Diagnostics criteria. Collection method: clinical testing. Allele origin: unknown. Not counted in ClinVar's aggregate classification.
Comment: This nonsense variant alters the translational reading frame of the BRCA2 mRNA and causes the premature termination of BRCA2 protein synthesis. The frequency of this variant in the general population, 0.000018 (2/113582 chromosomes), is consistent with pathogenicity. In the published literature, the variant has been reported in individuals with breast cancer, ovarian cancer, and bladder cancer (PMIDs: 32427313 (2020), 31360904 (2019), 22711857 (2012), 17026620 (2006), 8896551 (1996)). In addition, this variant has been reported to have a damaging effect on BRCA2 protein function (PMIDs: 22678057 (2012), 18593900 (2008), 18607349 (2008)). Based on the available information, this variant is classified as pathogenic.

GeneDx
Classification: Pathogenic. Last evaluated: 2021-12-25. Review status: criteria provided, single submitter. Criteria: GeneDx Variant Classification Process June 2021. Collection method: clinical testing. Allele origin: germline. Affected: yes. Not counted in ClinVar's aggregate classification.
Comment: Nonsense variant predicted to result in protein truncation in a gene for which loss-of-function is a known mechanism of disease; Published functional studies demonstrate a damaging effect: sensitivity to DNA damaging agents, reduced homologous repair activity, genomic instability, and decreased RAD51 focus formation (Hucl 2008, Kuznetsov 2008); Observed in several individuals with personal and/or family histories of breast or ovarian cancer (Krainer 1997, Naseem 2006, Waddell 2008, Alsop 2012); Not observed at a significant frequency in large population cohorts (Lek et al., 2016); Truncating variants in this gene are considered pathogenic by a well-established clinical consortium and/or database; Also known as 10152C>G; This variant is associated with the following publications: (PMID: 18607349, 26317927, 27443740, 9145678, 18097605, 20104584, 17026620, 22678057, 14559878, 25639900, 22711857, 18593900, 24323938, 27498558, 18497862, 8896551, 29446198, 30720243, 31447099, 32427313, 30787465, 31360904, 32322110)

Laboratory for Molecular Medicine, Mass General Brigham Personalized Medicine
Classification: Pathogenic for Hereditary breast ovarian cancer syndrome. Last evaluated: 2021-03-18. Review status: criteria provided, single submitter. Criteria: LMM Criteria. Collection method: clinical testing. Allele origin: germline. Inheritance: Autosomal dominant inheritance. Observed: 1 variant allele. Not counted in ClinVar's aggregate classification.
Comment: The p.Tyr3308X variant in BRCA2 has been reported in at least 16 individuals with hereditary breast/ovarian cancer (HBOC) (Naseem 2006 PMID: 17026620, Alsop 2012 PMID: 22711857, Rebbeck 2018 PMID: 29446198, LMM data). It has also been identified in 0.002% (2/113582) of European chromosomes by gnomAD. This variant was classified as pathogenic on 06/09/16 by the ClinGen-approved ENIGMA expert panel (ClinVar Variation ID 52916). This nonsense variant leads to a premature termination codon at position 3308. This alteration occurs within the last exon and is, therefore, likely to escape nonsense mediated decay (NMD) and result in a truncated protein. In vitro and in vivo functional studies support that this variant impacts protein function (Hucl 2008 PMID: 18593900, Kuznetsov 2008 PMID: 18607349). Furthermore, another variant resulting in the same premature termination codon (c.9924C>A, p.Tyr3308X) has been identified in individuals with HBOC (Rebbeck 2018 PMID: 29446198). Although the presence of a benign loss-of-function (LOF) variant 18 amino acids downstream of this nonsense variant suggests there is some tolerance to LOF variants at the 3' end of this exon, the available evidence supports that protein truncation at the p.3308 position is disease-causing. In summary, this variant meets criteria to be classified as pathogenic for autosomal dominant hereditary breast/ovarian cancer. ACMG/AMP Criteria applied: PS4, PVS1_Strong, PM2_Supporting, PS3_Supporting.

Human Genome Sequencing Center Clinical Lab, Baylor College of Medicine
Classification: Pathogenic for Breast-ovarian cancer, familial, susceptibility to, 2. Last evaluated: 2018-02-06. Review status: criteria provided, single submitter. Criteria: ACMG Guidelines, 2015. Collection method: clinical testing. Allele origin: germline. Not counted in ClinVar's aggregate classification.
Comment: This variant has been previously described in multiple individuals with breast, colorectal, and ovarian cancer (PMID: 17026620, 22711857). In addition, functional studies have shown that the c.9924C>G (p.Y3308*) variant alters homologous recombination and increases chromosomal aberrations in cells (PMID: 18593900, 18607349). Therefore, we consider this variant to be pathogenic.

CHEO Genetics Diagnostic Laboratory, Children's Hospital of Eastern Ontario
Classification: Pathogenic for Breast and/or ovarian cancer. Last evaluated: 2016-07-06. Review status: criteria provided, single submitter. Criteria: ACMG Guidelines, 2015. Collection method: clinical testing. Allele origin: germline. Study: Canadian Open Genetics Repository. Not counted in ClinVar's aggregate classification.

Consortium of Investigators of Modifiers of BRCA1/2 (CIMBA), c/o University of Cambridge
Classification: Pathogenic for Breast-ovarian cancer, familial, susceptibility to, 2. Last evaluated: 2015-10-02. Review status: criteria provided, single submitter. Criteria: CIMBA Mutation Classification guidelines May 2016. Collection method: clinical testing. Allele origin: germline. Not counted in ClinVar's aggregate classification.

Research Molecular Genetics Laboratory, Women's College Hospital, University of Toronto
Classification: Pathogenic for Hereditary breast ovarian cancer syndrome. Last evaluated: 2014-01-31. Review status: no assertion criteria provided. Collection method: research. Allele origin: germline. Affected: yes. Study: The Canadian Open Genetics Repository (COGR). Not counted in ClinVar's aggregate classification.

Sharing Clinical Reports Project (SCRP)
Classification: Pathogenic for Breast-ovarian cancer, familial 2. Last evaluated: 2013-02-08. Review status: no assertion criteria provided. Collection method: clinical testing. Allele origin: germline. Not counted in ClinVar's aggregate classification.

Breast Cancer Information Core (BIC) (BRCA2)
Classification: Pathogenic for Breast-ovarian cancer, familial 2. Last evaluated: 2004-02-20. Review status: no assertion criteria provided. Collection method: clinical testing. Allele origin: germline. Affected: yes. Observed: 13 variant alleles. Not counted in ClinVar's aggregate classification.

Department of Pathology and Laboratory Medicine, Sinai Health System
Classification: Pathogenic for Malignant tumor of breast. Review status: no assertion criteria provided. Collection method: clinical testing. Allele origin: unknown. Affected: yes. Study: The Canadian Open Genetics Repository (COGR). Not counted in ClinVar's aggregate classification.
Comment: The BRCA2 p.Tyr3308X variant was identified in 3 of 2250 proband chromosomes (frequency: 0.00133) from individuals and families with breast, ovarian, and colorectal cancer (Naseem 2006 PMID 17026620, Alsop 2012 PMID 22711857, Krainer 1997 PMID 9145678). The variant was also identified in dbSNP (ID: rs4987049) as â€šÃ„ÃºWith Pathogenic, other alleleâ€šÃ„Ã¹, in ClinVar (classified as pathogenic 11x by Ambry, Breast Cancer Information Core, CHEO, Color Genomics, CIMBA, ENIGMA, GeneDx, Invitae, Laboratory Corporation of America, Research Molecular Genetics Laboratory at Women's College Hospital, and SCRP), in Clinvitae (classified as pathogenic), in COGR (classified as pathogenic by CHEO, and likely pathogenic/pathogenic by COGR consensus), in LOVD 3.0, and in ARUP Laboratories (classified as definitely pathogenic). The variant was not identified in Cosmic, MutDB, or Zhejiang University Database. The variant was identified in control databases in 2 of 246006 chromosomes at a frequency of 0.000008 (Genome Aggregation Database Feb 27, 2017). Breakdown of the observations by population include European Non-Finnish in 2 of 111506 chromosomes (freq: 0.000018), while the variant was not observed in the African, Latino, Ashkenazi Jewish, East Asian, Finnish, or South Asian populations. Functional studies on p.Tyr3308X demonstrate that this variant has a deleterious effect (see examples Kuznetsov 2009 PMID 18607349, Hucl 2008 PMID 18593900). Kuznetsov demonstrates that this variant causes reduced cell viability, sensitivity to DNA damaging drugs, defective nonhomologous end joining (Kuznetsov 2009 PMID 18607349). The c.9924C>G variant leads to a premature stop codon at position 3308 which is predicted to lead to a truncated or absent protein and loss of function. Loss of function variants of the BRCA2 gene are an established mechanism of disease in Hereditary Breast and Ovarian Cancer and is the type of variant expected to cause the disorder. In summary, based on the above information this variant meets our laboratoryâ€šÃ„Ã´s criteria to be classified as pathogenic.

Literature cited by the submitters: PubMed 17026620 (cited by 4 submitters); PubMed 22711857 (cited by 6 submitters); PubMed 18593900 (cited by 6 submitters); PubMed 18607349 (cited by 5 submitters); PubMed 9145678 (cited by Color Diagnostics, LLC DBA Color Health and Women's Health and Genetics/Laboratory Corporation of America, LabCorp); PubMed 18497862 (cited by Color Diagnostics, LLC DBA Color Health); PubMed 31853058 (cited by Color Diagnostics, LLC DBA Color Health); PubMed 33293522 (cited by Color Diagnostics, LLC DBA Color Health); PubMed 40413188 (cited by Color Diagnostics, LLC DBA Color Health); PubMed 32427313 (cited by Ambry Genetics and Quest Diagnostics Nichols Institute San Juan Capistrano); PubMed 14559878 (cited by Women's Health and Genetics/Laboratory Corporation of America, LabCorp); PubMed 24323938 (cited by Women's Health and Genetics/Laboratory Corporation of America, LabCorp and Quest Diagnostics Nichols Institute San Juan Capistrano); PubMed 22678057 (cited by Women's Health and Genetics/Laboratory Corporation of America, LabCorp and Quest Diagnostics Nichols Institute San Juan Capistrano); PubMed 29446198 (cited by Quest Diagnostics Nichols Institute San Juan Capistrano and Laboratory for Molecular Medicine, Mass General Brigham Personalized Medicine); PubMed 31447099 (cited by Quest Diagnostics Nichols Institute San Juan Capistrano and Laboratory for Molecular Medicine, Mass General Brigham Personalized Medicine); PubMed 30720243 (cited by Quest Diagnostics Nichols Institute San Juan Capistrano and Laboratory for Molecular Medicine, Mass General Brigham Personalized Medicine); PubMed 31360904 (cited by Quest Diagnostics Nichols Institute San Juan Capistrano); PubMed 8896551 (cited by Quest Diagnostics Nichols Institute San Juan Capistrano).